The following is an entry in ClinVar:

NM_001010892.3(RSPH4A):c.1323G>A (p.Trp441Ter)

Gene: RSPH4A (radial spoke head component 4A; plus strand). Cytogenetic location: 6q22.1.
Variant type: single nucleotide variant.
Coding change: c.1323G>A on transcript NM_001010892.3 (MANE Select); coding-DNA position 1323, G replaced by A.
Protein change: p.Trp441Ter; replaces tryptophan 441 with a stop codon.
Molecular consequence: nonsense.
Genome position (GRCh38, 1-based): chr6:116,628,030, G>A. VCF-style: chr6-116628030-G-A. GRCh37 (hg19) VCF-style: chr6-116949193-G-A.
Other names: c.1323G>A, p.Trp441Ter (NM_001161664.2); short protein forms W441*.
Identifiers: ClinVar variation 3724525 (VCV003724525.2).

ClinVar aggregate classification (germline): Pathogenic (1 of 4 stars; one submission).

Conditions:
Primary ciliary dyskinesia. Also called: Ciliary dyskinesia. Identifiers: Orphanet 244, MedGen C0008780, MONDO:0016575, HP:0012265.

gnomAD v4.1: 1 of 1,613,990 alleles (0.000062%); highest among the groups gnomAD compares: Non-Finnish European, 0.000085%; no homozygotes.

Submission:

Labcorp Genetics (formerly Invitae), Labcorp
Classification: Pathogenic for Primary ciliary dyskinesia. Last evaluated: 2024-11-03. Review status: criteria provided, single submitter. Criteria: Invitae Variant Classification Sherloc (09022015). Collection method: clinical testing. Allele origin: germline.
Comment: This sequence change creates a premature translational stop signal (p.Trp441*) in the RSPH4A gene. It is expected to result in an absent or disrupted protein product. Loss-of-function variants in RSPH4A are known to be pathogenic (PMID: 19200523). This variant is present in population databases (rs771858822, gnomAD 0.0009%). This variant has not been reported in the literature in individuals affected with RSPH4A-related conditions. For these reasons, this variant has been classified as Pathogenic.

Literature cited by the submitters: PubMed 19200523.